The following is an entry in ClinVar:

NM_001382391.1(CSPP1):c.214T>C (p.Leu72=)

Gene: CSPP1 (centrosome and spindle pole associated protein 1; plus strand). Cytogenetic location: 8q13.1.
Variant type: single nucleotide variant.
Coding change: c.214T>C on transcript NM_001382391.1 (MANE Select); coding-DNA position 214, T replaced by C.
Protein change: p.Leu72=; no amino-acid change (leucine 72 retained).
Molecular consequence: synonymous variant. On other transcripts: 5 prime UTR variant (1).
Genome position (GRCh38, 1-based): chr8:67,086,021, T>C. VCF-style: chr8-67086021-T-C. GRCh37 (hg19) VCF-style: chr8-67998256-T-C.
Other names: c.-561T>C (NM_001291339.2); c.214T>C, p.Leu72= (NM_001363131.2, NM_001363132.2, NM_001363133.2); c.322T>C, p.Leu108= (NM_001364869.1, NM_001364870.1, NM_024790.7).
Identifiers: ClinVar variation 1090415 (VCV001090415.12), dbSNP rs887024306, ClinGen allele CA178187878.

ClinVar aggregate classification (germline): Likely benign. Review status: criteria provided, multiple submitters, no conflicts (2 of 4 stars). 4 submissions from 4 submitters: Likely benign (3). 1 of the submissions does not count toward it. Last evaluated 2026-09-01.

Conditions:
CSPP1-related disorder. Also called: CSPP1-related condition.
Joubert syndrome 21 (JBTS21). Identifiers: MedGen C3810212, MONDO:0014288, OMIM 615636.

Allele frequency attached by ClinVar (database versions not stated): gnomAD exomes below 0.00001 and 0.00002; TOPMed below 0.00001.
gnomAD v4.1: 31 of 1,420,052 alleles (0.0022%); highest among the groups gnomAD compares: Non-Finnish European, 0.0029%; no homozygotes.

Submissions (4):

CeGaT Center for Human Genetics Tuebingen
Classification: Likely benign. Last evaluated: 2026-09-01. Review status: criteria provided, single submitter. Criteria: CeGaT Center For Human Genetics Tuebingen Variant Classification Criteria Version 2. Collection method: clinical testing. Allele origin: germline. Affected: yes. Observed: 1 variant allele.
Comment: CSPP1: BP4

Blueprint Genetics
Classification: Likely benign. Last evaluated: 2024-11-06. Review status: criteria provided, single submitter. Criteria: ACMG Guidelines, 2015. Collection method: clinical testing. Allele origin: germline.

Labcorp Genetics (formerly Invitae), Labcorp
Classification: Likely benign for Joubert syndrome 21. Last evaluated: 2019-11-23. Review status: criteria provided, single submitter. Criteria: Invitae Variant Classification Sherloc (09022015). Collection method: clinical testing. Allele origin: germline.

PreventionGenetics, part of Exact Sciences
Classification: Likely benign for CSPP1-related condition. Last evaluated: 2019-07-30. Review status: no assertion criteria provided. Collection method: clinical testing. Allele origin: germline. Not counted in ClinVar's aggregate classification.
Comment: This variant is classified as likely benign based on ACMG/AMP sequence variant interpretation guidelines (Richards et al. 2015 PMID: 25741868, with internal and published modifications).